The following is an entry in ClinVar:

ClinVar aggregate classification (germline): Uncertain significance. Review status: criteria provided, multiple submitters, no conflicts (2 of 4 stars). 2 submissions from 2 submitters: Uncertain significance (2). Last evaluated 2024-11-11.

Conditions:
Meckel syndrome, type 5 (MKS5). Identifiers: Orphanet 564, MedGen C1969052, MONDO:0012695, OMIM 611561.
COACH syndrome 3. Identifiers: MedGen C5436841, MONDO:0030862, OMIM 619113.
Joubert syndrome 7 (JBTS7). Identifiers: Orphanet 220497, MedGen C1969053, MONDO:0012694, OMIM 611560.
Joubert syndrome. Also called: CEREBELLOPARENCHYMAL DISORDER IV; JOUBERT-BOLTSHAUSER SYNDROME; Familial aplasia of the vermis. Identifiers: Orphanet 475, MedGen C5979921, MONDO:0018772.
Meckel-Gruber syndrome. Also called: DYSENCEPHALIA SPLANCHNOCYSTICA; GRUBER SYNDROME; Dysencephalia splachnocystica. Identifiers: Orphanet 564, MedGen C0265215, MONDO:0018921.

Allele frequency attached by ClinVar (database versions not stated): gnomAD exomes below 0.00001.
gnomAD v4.1: 1 of 1,614,054 alleles (0.000062%); no homozygotes.

Submissions (2):

Labcorp Genetics (formerly Invitae), Labcorp
Classification: Uncertain significance for Joubert syndrome; Meckel-Gruber syndrome. Last evaluated: 2024-11-11. Review status: criteria provided, single submitter. Criteria: Invitae Variant Classification Sherloc (09022015). Collection method: clinical testing. Allele origin: germline.
Comment: This sequence change replaces lysine, which is basic and polar, with methionine, which is neutral and non-polar, at codon 37 of the RPGRIP1L protein (p.Lys37Met). This variant is present in population databases (no rsID available, gnomAD 0.0009%). This variant has not been reported in the literature in individuals affected with RPGRIP1L-related conditions. ClinVar contains an entry for this variant (Variation ID: 1412209). Invitae Evidence Modeling of protein sequence and biophysical properties (such as structural, functional, and spatial information, amino acid conservation, physicochemical variation, residue mobility, and thermodynamic stability) has been performed for this missense variant. However, the output from this modeling did not meet the statistical confidence thresholds required to predict the impact of this variant on RPGRIP1L protein function. In summary, the available evidence is currently insufficient to determine the role of this variant in disease. Therefore, it has been classified as a Variant of Uncertain Significance.

Fulgent Genetics
Classification: Uncertain significance for Joubert syndrome 7; Meckel syndrome, type 5; COACH syndrome 3. Last evaluated: 2024-04-15. Review status: criteria provided, single submitter. Criteria: ACMG Guidelines, 2015. Collection method: clinical testing. Allele origin: germline.

NM_015272.5(RPGRIP1L):c.110A>T (p.Lys37Met)

Gene: RPGRIP1L (RPGRIP1 like; minus strand). Cytogenetic location: 16q12.2.
Variant type: single nucleotide variant.
Coding change: c.110A>T on transcript NM_015272.5 (MANE Select); coding-DNA position 110, A replaced by T.
Protein change: p.Lys37Met; replaces lysine 37 with methionine.
Molecular consequence: missense variant.
Genome position (GRCh38, 1-based): chr16:53,696,271, T>A on the plus strand (A>T on the coding strand, the complement: RPGRIP1L is on the minus strand). VCF-style: chr16-53696271-T-A. GRCh37 (hg19) VCF-style: chr16-53730183-T-A.
Other names: c.110A>T, p.Lys37Met (NM_001127897.4, NM_001308334.3, NM_001328422.2 and 2 more transcripts); short protein forms K37M.
Identifiers: ClinVar variation 1412209 (VCV001412209.8), dbSNP rs1403169303, ClinGen allele CA395926061.